The following is an entry in ClinVar:

ClinVar aggregate classification (germline): Conflicting classifications of pathogenicity. Review status: criteria provided, conflicting classifications (1 of 4 stars). 11 submissions from 11 submitters: Uncertain significance (3); Benign (2); Likely benign (3). 3 of the submissions do not count toward it. Last evaluated 2026-09-01.

Conditions:
TTN-related disorder. Also called: TTN-related disorders; TTN-related condition; TTN-related disease.
Cardiovascular phenotype. Identifiers: MedGen CN230736.
Dilated cardiomyopathy 1G (CMD1G). Identifiers: Orphanet 154, MedGen C1858763, MONDO:0011400, OMIM 604145.
Autosomal recessive limb-girdle muscular dystrophy type 2J (LGMDR10). Also called: Limb-girdle muscular dystrophy, type 2J; MUSCULAR DYSTROPHY, LIMB-GIRDLE, AUTOSOMAL RECESSIVE 10. Identifiers: Orphanet 140922, MedGen C1837342, MONDO:0012127, OMIM 608807.
Cardiomyopathy (CMYO). Also called: Cardiomyopathies. Identifiers: Orphanet 167848, MedGen C0878544, MONDO:0004994, HP:0001638. Inheritance: Various modes of inheritance.

Allele frequency attached by ClinVar (database versions not stated): gnomAD 0.00003 and 0.00009; TOPMed 0.00004; ExAC 0.00015; gnomAD exomes 0.00018; 1000 Genomes Project 30x 0.00047; 1000 Genomes Project 0.00060.
gnomAD v4.1: 150 of 1,614,132 alleles (0.0093%); highest among the groups gnomAD compares: South Asian, 0.12%; no homozygotes.

Submissions (11):

PreventionGenetics, part of Exact Sciences
Classification: Likely benign for TTN-related condition. Last evaluated: 2026-09-01. Review status: criteria provided, single submitter. Criteria: ACMG Guidelines, 2015. Collection method: clinical testing. Allele origin: germline.
Comment: This variant is classified as likely benign based on ACMG/AMP sequence variant interpretation guidelines (Richards et al. 2015 PMID: 25741868, with internal and published modifications).

Labcorp Genetics (formerly Invitae), Labcorp
Classification: Likely benign for Dilated cardiomyopathy 1G; Autosomal recessive limb-girdle muscular dystrophy type 2J. Last evaluated: 2026-01-18. Review status: criteria provided, single submitter. Criteria: Invitae Variant Classification Sherloc (09022015). Collection method: clinical testing. Allele origin: germline.

CeGaT Center for Human Genetics Tuebingen
Classification: Uncertain significance. Last evaluated: 2025-11-01. Review status: criteria provided, single submitter. Criteria: CeGaT Center For Human Genetics Tuebingen Variant Classification Criteria Version 2. Collection method: clinical testing. Allele origin: germline. Affected: yes. Observed: 1 variant allele.
Comment: TTN: PM2, BP4

CHEO Genetics Diagnostic Laboratory, Children's Hospital of Eastern Ontario
Classification: Benign for Cardiomyopathy. Last evaluated: 2021-05-25. Review status: criteria provided, single submitter. Criteria: ACMG Guidelines, 2015. Collection method: clinical testing. Allele origin: germline.

Ambry Genetics
Classification: Benign for Cardiovascular phenotype. Last evaluated: 2021-03-16. Review status: criteria provided, single submitter. Criteria: Ambry Variant Classification Scheme 2023. Collection method: clinical testing. Allele origin: germline.

GeneDx
Classification: Likely benign. Last evaluated: 2017-08-29. Review status: criteria provided, single submitter. Criteria: GeneDx Variant Classification (06012015). Collection method: clinical testing. Allele origin: germline. Affected: yes.
Comment: This variant is considered likely benign or benign based on one or more of the following criteria: it is a conservative change, it occurs at a poorly conserved position in the protein, it is predicted to be benign by multiple in silico algorithms, and/or has population frequency not consistent with disease.

Eurofins Ntd Llc (ga)
Classification: Uncertain significance. Last evaluated: 2015-10-06. Review status: criteria provided, single submitter. Criteria: EGL Classification Definitions 2015. Collection method: clinical testing. Allele origin: germline. Observed: 1 variant allele, 1 heterozygote.

Laboratory for Molecular Medicine, Mass General Brigham Personalized Medicine
Classification: Uncertain significance. Last evaluated: 2014-04-02. Review status: criteria provided, single submitter. Criteria: LMM Criteria. Collection method: clinical testing. Allele origin: germline. Observed: 2 variant alleles.
Comment: It was absent from large population studies. This variant is located in the 5 ' splice region. Computational tools do not suggest an impact to splicing. Howev er, this information is not predictive enough to rule out pathogenicity. Additio nal information is needed to fully assess the clinical significance of this vari ant.

Clinical Genetics DNA and cytogenetics Diagnostics Lab, Erasmus MC, Erasmus Medical Center
Classification: Likely benign. Review status: no assertion criteria provided. Collection method: clinical testing. Allele origin: germline. Affected: yes. Study: VKGL Data-share Consensus. Not counted in ClinVar's aggregate classification.

Clinical Genetics, Academic Medical Center
Classification: Benign. Review status: no assertion criteria provided. Collection method: clinical testing. Allele origin: germline. Affected: yes. Study: VKGL Data-share Consensus. Not counted in ClinVar's aggregate classification.

Joint Genome Diagnostic Labs from Nijmegen and Maastricht, Radboudumc and MUMC+
Classification: Likely benign. Review status: no assertion criteria provided. Collection method: clinical testing. Allele origin: germline. Affected: yes. Study: VKGL Data-share Consensus. Not counted in ClinVar's aggregate classification.

NM_001267550.2(TTN):c.1398+5G>A

Gene: TTN (titin; minus strand). Cytogenetic location: 2q31.2.
Variant type: single nucleotide variant.
Coding change: c.1398+5G>A on transcript NM_001267550.2 (MANE Select); 5 bases into the intron after coding-DNA position 1398, G replaced by A.
Molecular consequence: intron variant.
Genome position (GRCh38, 1-based): chr2:178,794,394, C>T on the plus strand (G>A on the coding strand, the complement: TTN is on the minus strand). VCF-style: chr2-178794394-C-T. GRCh37 (hg19) VCF-style: chr2-179659121-C-T.
Other names: c.1398+5G>A (NM_133378.4, NM_001256850.1, NM_003319.4 and 3 more transcripts).
Identifiers: ClinVar variation 166350 (VCV000166350.35), dbSNP rs542965530, ClinGen allele CA179422.